The following is an entry in ClinVar:

ClinVar aggregate classification (germline): Uncertain significance (1 of 4 stars; one submission).

gnomAD v4.1: 31 of 1,500,704 alleles (0.0021%); highest among the groups gnomAD compares: Non-Finnish European, 0.0027%; no homozygotes.

Submission:

GeneDx
Classification: Uncertain significance. Last evaluated: 2026-03-25. Review status: criteria provided, single submitter. Criteria: GeneDx Variant Classification Process June 2021. Collection method: clinical testing. Allele origin: germline.
Comment: In silico analysis supports that this missense variant has a deleterious effect on protein structure/function; Has not been previously published as pathogenic or benign to our knowledge

NM_001329943.3(KIAA0586):c.1660G>A (p.Glu554Lys)

Gene: KIAA0586 (KIAA0586; plus strand). Cytogenetic location: 14q23.1.
Variant type: single nucleotide variant.
Coding change: c.1660G>A on transcript NM_001329943.3 (MANE Select); coding-DNA position 1660, G replaced by A.
Protein change: p.Glu554Lys; replaces glutamic acid 554 with lysine.
Molecular consequence: missense variant. On other transcripts: intron variant (1).
Genome position (GRCh38, 1-based): chr14:58,459,846, G>A. VCF-style: chr14-58459846-G-A. GRCh37 (hg19) VCF-style: chr14-58926564-G-A.
Other names: c.1819G>A, p.Glu607Lys (NM_001244189.2); c.1615G>A, p.Glu539Lys (NM_001244190.2); c.1405G>A, p.Glu469Lys (NM_001244191.2, NM_001329945.2, NM_001364700.1 and 1 more transcripts); c.1528G>A, p.Glu510Lys (NM_001244192.2); c.1240G>A, p.Glu414Lys (NM_001244193.2); c.1660G>A, p.Glu554Lys (NM_001329944.2, NM_001329946.2, NM_001329947.2); c.1657-1140G>A (NM_014749.5); short protein forms E414K, E469K, E510K, E539K, E554K, E607K.
Identifiers: ClinVar variation 5016982 (VCV005016982.1).